The following is an entry in ClinVar:

NM_001379200.1(TBX1):c.1474G>T (p.Gly492Ter)

Gene: TBX1 (T-box transcription factor 1; plus strand). Cytogenetic location: 22q11.21.
Variant type: single nucleotide variant.
Coding change: c.1474G>T on transcript NM_001379200.1 (MANE Select); coding-DNA position 1474, G replaced by T.
Protein change: p.Gly492Ter; replaces glycine 492 with a stop codon.
Molecular consequence: nonsense. On other transcripts: intron variant (2).
Genome position (GRCh38, 1-based): chr22:19,766,826, G>T. VCF-style: chr22-19766826-G-T. GRCh37 (hg19) VCF-style: chr22-19754349-G-T.
Other names: c.1447G>T, p.Gly483Ter (NM_080647.1); c.1009+824G>T (NM_005992.1, NM_080646.2); short protein forms G483*, G492*.
Identifiers: ClinVar variation 845830 (VCV000845830.8), dbSNP rs541198585, ClinGen allele CA410685682.

ClinVar aggregate classification (germline): Uncertain significance (1 of 4 stars; one submission).

Conditions:
DiGeorge syndrome. Also called: Catch22; THIRD AND FOURTH PHARYNGEAL POUCH SYNDROME. Identifiers: Orphanet 567, MedGen C0012236, MONDO:0008564, OMIM 188400.

gnomAD v4.1: 1 of 1,558,754 alleles (0.000064%); highest among the groups gnomAD compares: South Asian, 0.0011%; no homozygotes.

Submission:

Labcorp Genetics (formerly Invitae), Labcorp
Classification: Uncertain significance for DiGeorge syndrome. Last evaluated: 2019-03-29. Review status: criteria provided, single submitter. Criteria: Invitae Variant Classification Sherloc (09022015). Collection method: clinical testing. Allele origin: germline.
Comment: This variant has been observed in one or more individuals who were not affected with TBX1-related disease (Invitae). In summary, the available evidence is currently insufficient to determine the role of this variant in disease. Therefore, it has been classified as a Variant of Uncertain Significance. This variant is not present in population databases (ExAC no frequency). This sequence change results in a premature translational stop signal in the TBX1 gene (p.Gly483*). While this is not anticipated to result in nonsense mediated decay, it is expected to disrupt the last 13 amino acids of the TBX1 protein.